The following is an entry in ClinVar:

NM_005548.3(KARS1):c.601T>C (p.Tyr201His)

Gene: KARS1 (lysyl-tRNA synthetase 1; minus strand). Cytogenetic location: 16q23.1.
Variant type: single nucleotide variant.
Coding change: c.601T>C on transcript NM_005548.3 (MANE Select); coding-DNA position 601, T replaced by C.
Protein change: p.Tyr201His; replaces tyrosine 201 with histidine.
Molecular consequence: missense variant.
Genome position (GRCh38, 1-based): chr16:75,635,980, A>G on the plus strand (T>C on the coding strand, the complement: KARS1 is on the minus strand). VCF-style: chr16-75635980-A-G. GRCh37 (hg19) VCF-style: chr16-75669878-A-G.
Other names: c.685T>C, p.Tyr229His (NM_001130089.2); c.133T>C, p.Tyr45His (NM_001378148.1); short protein forms Y229H, Y201H, Y45H.
Identifiers: ClinVar variation 226684 (VCV000226684.20), dbSNP rs150529876, ClinGen allele CA8177567.
Genomic context (GRCh38, chr16:75,635,980, plus strand): 5'-TGAGGCCAAAGTGAAGATGAGGTAACATATGCAAACAGGGAGACAGCAGTGTGATCTCAT[A>G]CGGAATGATGCTCAGCTCACCCTTCTTGGTTTTACCAGGATTCCCCTGAACTCCAATTAT-3'
Protein context (NP_005539.1, residues 191-211): TKKGELSIIP[Tyr201His]EITLLSPCLH

ClinVar aggregate classification (germline): Benign/Likely benign. Review status: criteria provided, multiple submitters, no conflicts (2 of 4 stars). 4 submissions from 4 submitters: Benign (3); Likely benign (1). Last evaluated 2026-03-01.

Allele frequency attached by ClinVar (database versions not stated): ESP Exome Variant Server 0.00015; gnomAD exomes 0.00037 and 0.00116; gnomAD 0.00043 and 0.00058; TOPMed 0.00054; ExAC 0.00118; 1000 Genomes Project 0.00319; 1000 Genomes Project 30x 0.00328.
gnomAD v4.1: 635 of 1,614,208 alleles (0.039%); highest among the groups gnomAD compares: East Asian, 1.3%; 6 homozygotes.

Submissions (4):

CeGaT Center for Human Genetics Tuebingen
Classification: Likely benign. Last evaluated: 2026-03-01. Review status: criteria provided, single submitter. Criteria: CeGaT Center For Human Genetics Tuebingen Variant Classification Criteria Version 2. Collection method: clinical testing. Allele origin: germline. Affected: yes. Observed: 1 variant allele.
Comment: KARS1: BP4, BS1

Labcorp Genetics (formerly Invitae), Labcorp
Classification: Benign. Last evaluated: 2026-01-21. Review status: criteria provided, single submitter. Criteria: Invitae Variant Classification Sherloc (09022015). Collection method: clinical testing. Allele origin: germline.

GeneDx
Classification: Benign. Last evaluated: 2020-02-06. Review status: criteria provided, single submitter. Criteria: GeneDx Variant Classification Process June 2021. Collection method: clinical testing. Allele origin: germline. Affected: yes.
Comment: This variant is associated with the following publications: (PMID: 32048449, 25149502)

Laboratory for Molecular Medicine, Mass General Brigham Personalized Medicine
Classification: Benign. Last evaluated: 2015-05-07. Review status: criteria provided, single submitter. Criteria: LMM Criteria. Collection method: clinical testing. Allele origin: germline. Observed: 2 variant alleles.
Comment: p.Tyr229His in exon 6 of KARS: This variant is not expected to have clinical sig nificance because it has been identified in 1.6% (139/8652) of East Asian chromo somes by the Exome Aggregation Consortium (ExAC; dbSNP rs150529876).